The following is an entry in ClinVar:

NM_004085.4(TIMM8A):c.133-2A>G

Gene: TIMM8A (translocase of inner mitochondrial membrane 8A; minus strand). Cytogenetic location: Xq22.1.
Variant type: single nucleotide variant.
Coding change: c.133-2A>G on transcript NM_004085.4 (MANE Select); the canonical splice acceptor site of the intron before coding-DNA position 133, A replaced by G.
Molecular consequence: splice acceptor variant. On other transcripts: 3 prime UTR variant (1).
Genome position (GRCh38, 1-based): chrX:101,346,662, T>C on the plus strand (A>G on the coding strand, the complement: TIMM8A is on the minus strand). VCF-style: chrX-101346662-T-C. GRCh37 (hg19) VCF-style: chrX-100601650-T-C.
Other names: c.*1725A>G (NM_001145951.2).
Identifiers: ClinVar variation 940697 (VCV000940697.9), dbSNP rs1926076610, ClinGen allele CA413914558.

ClinVar aggregate classification (germline): Conflicting classifications of pathogenicity. Review status: criteria provided, conflicting classifications (1 of 4 stars). 2 submissions from 2 submitters: Pathogenic (1); Uncertain significance (1). Last evaluated 2025-01-09.

Conditions:
Deafness dystonia syndrome (MTS). Also called: Deafness-Dystonia-Optic Neuronopathy Syndrome; OPTICOACOUSTIC NERVE ATROPHY WITH DEMENTIA; Opticoacustic nerve atrophy with dementia; Nerve deafness optic nerve atrophy, and dementia; Syndrome of opticoacoustic nerve atrophy with dementia; DYSTONIA-DEAFNESS SYNDROME, X-LINKED. Identifiers: Orphanet 52368, MedGen C0796074, MONDO:0010578, OMIM 304700.

Submissions (2):

Institute of Rare Diseases, West China Hospital, Sichuan University
Classification: Pathogenic for Deafness dystonia syndrome. Last evaluated: 2025-01-09. Review status: criteria provided, single submitter. Criteria: ClinGen HL ACMG Specifications v1. Collection method: research. Allele origin: germline. Affected: yes.
Comment: PVS1;PM3;PP1;PM2_Supporting

Labcorp Genetics (formerly Invitae), Labcorp
Classification: Uncertain significance. Last evaluated: 2019-08-23. Review status: criteria provided, single submitter. Criteria: Invitae Variant Classification Sherloc (09022015). Collection method: clinical testing. Allele origin: germline.
Comment: In summary, the available evidence is currently insufficient to determine the role of this variant in disease. Therefore, it has been classified as a Variant of Uncertain Significance. Nucleotide substitutions within the consensus splice site are a relatively common cause of aberrant splicing (PMID: 17576681, 9536098). Algorithms developed to predict the effect of sequence changes on RNA splicing suggest that this variant may disrupt the consensus splice site, but this prediction has not been confirmed by published transcriptional studies. This variant has not been reported in the literature in individuals with TIMM8A-related conditions. This variant is not present in population databases (ExAC no frequency). This sequence change affects an acceptor splice site in the last intron (intron 1) of the TIMM8A gene. While this is not anticipated to result in nonsense mediated decay, it likely alters RNA splicing and results in a disrupted protein product.

Literature cited by the submitters: PubMed 17576681 (cited by Labcorp Genetics (formerly Invitae), Labcorp); PubMed 9536098 (cited by Labcorp Genetics (formerly Invitae), Labcorp).